The following is an entry in ClinVar:

ClinVar aggregate classification (germline): Conflicting classifications of pathogenicity. Review status: criteria provided, conflicting classifications (1 of 4 stars). 2 submissions from 2 submitters: Uncertain significance (1); Likely benign (1). Last evaluated 2022-10-26.

Conditions:
Inborn genetic diseases. Identifiers: MedGen C0950123, MeSH D030342.
Cornelia de Lange syndrome 3 (CDLS3). Also called: SMC3-Related Cornelia de Lange Syndrome; CORNELIA DE LANGE SYNDROME 3 WITH OR WITHOUT MIDLINE BRAIN DEFECTS. Identifiers: Orphanet 199, MedGen C1853099, MONDO:0012555, OMIM 610759.

Allele frequency attached by ClinVar (database versions not stated): gnomAD exomes below 0.00001; TOPMed below 0.00001; gnomAD 0.00001; ExAC 0.00002.
gnomAD v4.1: 7 of 1,613,558 alleles (0.00043%); highest among the groups gnomAD compares: South Asian, 0.0011%; no homozygotes.

Submissions (2):

Labcorp Genetics (formerly Invitae), Labcorp
Classification: Uncertain significance for Cornelia de Lange syndrome 3. Last evaluated: 2022-10-26. Review status: criteria provided, single submitter. Criteria: Invitae Variant Classification Sherloc (09022015). Collection method: clinical testing. Allele origin: germline.
Comment: This variant has not been reported in the literature in individuals affected with SMC3-related conditions. This sequence change affects codon 1056 of the SMC3 mRNA. It is a 'silent' change, meaning that it does not change the encoded amino acid sequence of the SMC3 protein. This variant is present in population databases (rs757574487, gnomAD 0.003%). Algorithms developed to predict the effect of sequence changes on RNA splicing suggest that this variant may create or strengthen a splice site. In summary, the available evidence is currently insufficient to determine the role of this variant in disease. Therefore, it has been classified as a Variant of Uncertain Significance.

Ambry Genetics
Classification: Likely benign for Inborn genetic diseases. Last evaluated: 2018-01-19. Review status: criteria provided, single submitter. Criteria: Ambry Variant Classification Scheme 2023. Collection method: clinical testing. Allele origin: germline.

NM_005445.4(SMC3):c.3168G>A (p.Val1056=)

Gene: SMC3 (structural maintenance of chromosomes 3; plus strand). Cytogenetic location: 10q25.2.
Variant type: single nucleotide variant.
Coding change: c.3168G>A on transcript NM_005445.4 (MANE Select); coding-DNA position 3168, G replaced by A.
Protein change: p.Val1056=; no amino-acid change (valine 1056 retained).
Molecular consequence: synonymous variant.
Genome position (GRCh38, 1-based): chr10:110,602,536, G>A. VCF-style: chr10-110602536-G-A. GRCh37 (hg19) VCF-style: chr10-112362294-G-A.
Identifiers: ClinVar variation 1728388 (VCV001728388.5), dbSNP rs757574487, ClinGen allele CA5688368.
Genomic context (GRCh38, chr10:110,602,536, plus strand): 5'-ATCTAAGAACTTCAGTGAAGTATTCCAGAAGTTAGTACCTGGTGGCAAAGCTACTTTGGT[G>A]ATGAAGAAAGGAGATGTGGAGGGCAGTCAGTCTCAAGATGAAGGAGAAGGGAGTGGTGAG-3'
Protein context (NP_005436.1, residues 1046-1066): KLVPGGKATL[Val1056=]MKKGDVEGSQ